The following is an entry in ClinVar:

NM_012414.4(RAB3GAP2):c.1649G>A (p.Arg550Gln)

Gene: RAB3GAP2 (RAB3 GTPase activating non-catalytic protein subunit 2; minus strand). Cytogenetic location: 1q41.
Variant type: single nucleotide variant.
Coding change: c.1649G>A on transcript NM_012414.4 (MANE Select); coding-DNA position 1649, G replaced by A.
Protein change: p.Arg550Gln; replaces arginine 550 with glutamine.
Molecular consequence: missense variant.
Genome position (GRCh38, 1-based): chr1:220,190,129, C>T on the plus strand (G>A on the coding strand, the complement: RAB3GAP2 is on the minus strand). VCF-style: chr1-220190129-C-T. GRCh37 (hg19) VCF-style: chr1-220363471-C-T.
Other names: short protein forms R550Q.
Identifiers: ClinVar variation 1046446 (VCV001046446.8), dbSNP rs1374925013, ClinGen allele CA344644922.
Genomic context (GRCh38, chr1:220,190,129, plus strand): 5'-TTGGGAGATTTTGTTTTCAGTAAGGCTGCTAGTTTCTTCACTAGGTGCATATCCTTGGCT[C>T]GTTCACTCTTCTTATCACTAAACCAATAAATATAACAAATTATTACAGAATGTGAAATTA-3'
Protein context (NP_036546.2, residues 540-560): HLALSDKKSE[Arg550Gln]AKDMHLVKKL

ClinVar aggregate classification (germline): Uncertain significance (1 of 4 stars; one submission).

Conditions:
Warburg micro syndrome 2 (WARBM2). Also called: MICRO SYNDROME 2. Identifiers: Orphanet 2510, MedGen C3280214, MONDO:0013641, OMIM 614225.
Martsolf syndrome (MARTS). Also called: Congenital cataract with intellectual disability and hypogonadotropic hypogonadism syndrome. Identifiers: Orphanet 1387, MedGen C0796037, MONDO:0023910.

Allele frequency attached by ClinVar (database versions not stated): gnomAD exomes below 0.00001 and 0.00001.
gnomAD v4.1: 9 of 1,612,782 alleles (0.00056%); highest among the groups gnomAD compares: East Asian, 0.0022%; no homozygotes.

Submission:

Labcorp Genetics (formerly Invitae), Labcorp
Classification: Uncertain significance for Martsolf syndrome; Warburg micro syndrome 2. Last evaluated: 2022-07-06. Review status: criteria provided, single submitter. Criteria: Invitae Variant Classification Sherloc (09022015). Collection method: clinical testing. Allele origin: germline.
Comment: In summary, the available evidence is currently insufficient to determine the role of this variant in disease. Therefore, it has been classified as a Variant of Uncertain Significance. Algorithms developed to predict the effect of missense changes on protein structure and function are either unavailable or do not agree on the potential impact of this missense change (SIFT: "Tolerated"; PolyPhen-2: "Probably Damaging"; Align-GVGD: "Class C0"). ClinVar contains an entry for this variant (Variation ID: 1046446). This variant has not been reported in the literature in individuals affected with RAB3GAP2-related conditions. This variant is present in population databases (no rsID available, gnomAD 0.0009%). This sequence change replaces arginine, which is basic and polar, with glutamine, which is neutral and polar, at codon 550 of the RAB3GAP2 protein (p.Arg550Gln).